The following is an entry in ClinVar:

ClinVar aggregate classification (germline): Uncertain significance (1 of 4 stars; one submission).

Conditions:
Hypertrophic cardiomyopathy. Also called: HYPERTROPHIC MYOCARDIOPATHY. Identifiers: Orphanet 217569, MedGen C0007194, MeSH D002312, MONDO:0005045, HP:0001639.

Submission:

Labcorp Genetics (formerly Invitae), Labcorp
Classification: Uncertain significance for Hypertrophic cardiomyopathy. Last evaluated: 2022-07-19. Review status: criteria provided, single submitter. Criteria: Invitae Variant Classification Sherloc (09022015). Collection method: clinical testing. Allele origin: germline.
Comment: In summary, the available evidence is currently insufficient to determine the role of this variant in disease. Therefore, it has been classified as a Variant of Uncertain Significance. Experimental studies and prediction algorithms are not available or were not evaluated, and the functional significance of this variant is currently unknown. This variant has not been reported in the literature in individuals affected with MYH7-related conditions. This variant is not present in population databases (gnomAD no frequency). This variant, c.5257_5259del, results in the deletion of 1 amino acid(s) of the MYH7 protein (p.Glu1753del), but otherwise preserves the integrity of the reading frame.

NM_000257.4(MYH7):c.5254GAG[1] (p.Glu1753del)

Genes: MYH7 (myosin heavy chain 7; minus strand), LOC126861897 (BRD4-independent group 4 enhancer GRCh37_chr14:23884455-23885654; plus strand). Cytogenetic location: 14q11.2.
Variant type: Microsatellite.
Coding change: c.5254GAG[1] on transcript NM_000257.4 (MANE Select); one copy of the 3-base unit GAG starting at c.5254; the reference has two copies in a row; one copy, 3 bases deleted.
Protein change: p.Glu1753del; deletes glutamic acid 1753.
Molecular consequence: inframe deletion.
Genome position (GRCh38, 1-based): chr14:23,415,405-23,415,407, CTC deleted on the plus strand (GAG on the coding strand, the reverse complement: MYH7 is on the minus strand); deleting any 3 consecutive bases within chr14:23,415,405-23,415,410 gives the same sequence; the position shown is the placement nearest the transcript's 3' end. VCF-style (leftmost placement, unchanged base first): chr14-23415404-TCTC-T. GRCh37 (hg19) VCF-style: chr14-23884613-TCTC-T.
Other names: short protein forms E1753del.
Identifiers: ClinVar variation 1371512 (VCV001371512.6), dbSNP rs2138639303, ClinGen allele CA2580616563.
Genomic context (GRCh38, chr14:23,415,404, plus strand): 5'-ACTGGTCTGGATCGGGTCGGTGGAGTGGGGGACTTACATCCGTGATGGCCTTCTTGGCCT[TCTC>T]CTCAGCATTCCTGCACTCCTGCACTGCCTCCTCCACTTCAGTCTGGAGCTGGGACAGGTC-3'